The following is an entry in ClinVar:

NM_004444.5(EPHB4):c.1555G>A (p.Gly519Ser)

Gene: EPHB4 (EPH receptor B4; minus strand). Cytogenetic location: 7q22.1.
Variant type: single nucleotide variant.
Coding change: c.1555G>A on transcript NM_004444.5 (MANE Select); coding-DNA position 1555, G replaced by A.
Protein change: p.Gly519Ser; replaces glycine 519 with serine.
Molecular consequence: missense variant.
Genome position (GRCh38, 1-based): chr7:100,817,225, C>T on the plus strand (G>A on the coding strand, the complement: EPHB4 is on the minus strand). VCF-style: chr7-100817225-C-T. GRCh37 (hg19) VCF-style: chr7-100414847-C-T.
Other names: short protein forms G519S.
Identifiers: ClinVar variation 1985154 (VCV001985154.7), dbSNP rs761047725, ClinGen allele CA4392941.

ClinVar aggregate classification (germline): Conflicting classifications of pathogenicity. Review status: criteria provided, conflicting classifications (1 of 4 stars). 3 submissions from 3 submitters: Uncertain significance (1); Likely benign (2). Last evaluated 2025-06-10.

Conditions:
Capillary malformation-arteriovenous malformation 2 (CMAVM2). Identifiers: Orphanet 693912, MedGen C4748670, MONDO:0020785, OMIM 618196.
Cardiovascular phenotype. Identifiers: MedGen CN230736.

Allele frequency attached by ClinVar (database versions not stated): ExAC 0.00002; gnomAD 0.00003; TOPMed 0.00002; gnomAD exomes 0.00001.
gnomAD v4.1: 24 of 1,591,000 alleles (0.0015%); highest among the groups gnomAD compares: Admixed American, 0.014%; no homozygotes.

Submissions (3):

Ambry Genetics
Classification: Likely benign for Cardiovascular phenotype. Last evaluated: 2025-06-10. Review status: criteria provided, single submitter. Criteria: Ambry Variant Classification Scheme 2023. Collection method: clinical testing. Allele origin: germline.

Labcorp Genetics (formerly Invitae), Labcorp
Classification: Likely benign. Last evaluated: 2025-01-13. Review status: criteria provided, single submitter. Criteria: Invitae Variant Classification Sherloc (09022015). Collection method: clinical testing. Allele origin: germline.

Clinical Genomics Laboratory, Washington University in St. Louis
Classification: Uncertain significance for Capillary malformation-arteriovenous malformation 2. Last evaluated: 2024-07-05. Review status: criteria provided, single submitter. Criteria: ACMG Guidelines, 2015. Collection method: clinical testing. Allele origin: germline.
Comment: A EPHB4 c.1555G>A (p.Gly519Ser) variant was identified at a heterozygous allelic fraction of 52%, a frequency which may be consistent with germline origin. This variant, to our knowledge, has not been reported in the medical literature and is only observed on 24/1,591,000 alleles in the general population (gnomAD v4.1.0). The variant has been reported in the ClinVar database as a variant of uncertain clinical significance by two submitters (ClinVar Variation ID: 1985154). Computational predictors suggest that this variant does not impact EPHB4 function. Due to limited information, and based on ACMG/AMP guidelines for variant interpretation (Richards S et al., PMID: 25741868), the clinical significance of the EPHB4 c.1555G>A (p.Gly519Ser) variant is uncertain at this time.